The following is an entry in ClinVar:

NM_000562.3(C8A):c.1213G>T (p.Gly405Cys)

Gene: C8A (complement C8 alpha chain; plus strand). Cytogenetic location: 1p32.2.
Variant type: single nucleotide variant.
Coding change: c.1213G>T on transcript NM_000562.3 (MANE Select); coding-DNA position 1213, G replaced by T.
Protein change: p.Gly405Cys; replaces glycine 405 with cysteine.
Molecular consequence: missense variant.
Genome position (GRCh38, 1-based): chr1:56,906,783, G>T. VCF-style: chr1-56906783-G-T. GRCh37 (hg19) VCF-style: chr1-57372456-G-T.
Other names: short protein forms G405C.
Identifiers: ClinVar variation 2110782 (VCV002110782.5), dbSNP rs913930003, ClinGen allele CA22837868.
Genomic context (GRCh38, chr1:56,906,783, plus strand): 5'-GAAGACAAAATAAATGTTGGTGGAGGTTTATCAGGAGACCATTGTAAAAAATTTGGAGGT[G>T]GCAAAACTGGCAAGTGTTTAGTAATAGATCTCCCAAAAAGAGAAGCCAGGCTTTCCTTTG-3'
Protein context (NP_000553.1, residues 395-415): SGDHCKKFGG[Gly405Cys]KTERARKAMA

ClinVar aggregate classification (germline): Uncertain significance. Review status: criteria provided, multiple submitters, no conflicts (2 of 4 stars). 2 submissions from 2 submitters: Uncertain significance (2). Last evaluated 2025-09-10.

Allele frequency attached by ClinVar (database versions not stated): TOPMed 0.00003; gnomAD 0.00001.
gnomAD v4.1: 2 of 1,613,912 alleles (0.00012%); highest among the groups gnomAD compares: African/African-American, 0.0027%; no homozygotes.

Submissions (2):

Labcorp Genetics (formerly Invitae), Labcorp
Classification: Uncertain significance. Last evaluated: 2025-09-10. Review status: criteria provided, single submitter. Criteria: Invitae Variant Classification Sherloc (09022015). Collection method: clinical testing. Allele origin: germline.
Comment: This sequence change replaces glycine, which is neutral and non-polar, with cysteine, which is neutral and slightly polar, at codon 405 of the C8A protein (p.Gly405Cys). This variant is not present in population databases (gnomAD no frequency). This variant has not been reported in the literature in individuals affected with C8A-related conditions. ClinVar contains an entry for this variant (Variation ID: 2110782). An algorithm developed to predict the effect of missense changes on protein structure and function (PolyPhen-2) suggests that this variant is likely to be disruptive. In summary, the available evidence is currently insufficient to determine the role of this variant in disease. Therefore, it has been classified as a Variant of Uncertain Significance.

Ambry Genetics
Classification: Uncertain significance. Last evaluated: 2025-06-07. Review status: criteria provided, single submitter. Criteria: Ambry Variant Classification Scheme 2023. Collection method: clinical testing. Allele origin: germline.